The following is an entry in ClinVar:

NM_020435.4(GJC2):c.1145G>A (p.Arg382Gln)

Gene: GJC2 (gap junction protein gamma 2; plus strand). Cytogenetic location: 1q42.13.
Variant type: single nucleotide variant.
Coding change: c.1145G>A on transcript NM_020435.4 (MANE Select); coding-DNA position 1145, G replaced by A.
Protein change: p.Arg382Gln; replaces arginine 382 with glutamine.
Molecular consequence: missense variant.
Genome position (GRCh38, 1-based): chr1:228,158,903, G>A. VCF-style: chr1-228158903-G-A. GRCh37 (hg19) VCF-style: chr1-228346604-G-A.
Other names: short protein forms R382Q.
Identifiers: ClinVar variation 939317 (VCV000939317.9), dbSNP rs2034731056, ClinGen allele CA345100644.
Genomic context (GRCh38, chr1:228,158,903, plus strand): 5'-CAGCGGCTGGGGACCGCGACCGGGACAGTTCGCCGTGCGTCGGCCTCCCTGCGGCCTCCC[G>A]GGGGCCCCCCAGAGCAGGCGCCCCCGCGTCCCGGACGGGCAGTGCTACCTCTGCGGGCAC-3'
Protein context (NP_065168.2, residues 372-392): SPCVGLPAAS[Arg382Gln]GPPRAGAPAS

ClinVar aggregate classification (germline): Uncertain significance (1 of 4 stars; one submission).

Conditions:
Spastic paraplegia. Identifiers: MedGen C0037772, HP:0001258.

Allele frequency attached by ClinVar (database versions not stated): gnomAD exomes below 0.00001.

Submission:

Labcorp Genetics (formerly Invitae), Labcorp
Classification: Uncertain significance for Spastic paraplegia. Last evaluated: 2019-08-06. Review status: criteria provided, single submitter. Criteria: Invitae Variant Classification Sherloc (09022015). Collection method: clinical testing. Allele origin: germline.
Comment: Algorithms developed to predict the effect of sequence changes on RNA splicing suggest that this variant may create or strengthen a splice site, but this prediction has not been confirmed by published transcriptional studies. In summary, the available evidence is currently insufficient to determine the role of this variant in disease. Therefore, it has been classified as a Variant of Uncertain Significance. This variant has not been reported in the literature in individuals with GJC2-related conditions. Algorithms developed to predict the effect of missense changes on protein structure and function are either unavailable or do not agree on the potential impact of this missense change (SIFT: "Deleterious"; PolyPhen-2: "Benign"; Align-GVGD: "Class C0"). The frequency data for this variant in the population databases is considered unreliable, as metrics indicate insufficient coverage at this position in the ExAC database. This sequence change replaces arginine with glutamine at codon 382 of the GJC2 protein (p.Arg382Gln). The arginine residue is moderately conserved and there is a small physicochemical difference between arginine and glutamine.